The following is an entry in ClinVar:

NM_020987.5(ANK3):c.5965T>C (p.Trp1989Arg)

Gene: ANK3 (ankyrin 3; minus strand). Cytogenetic location: 10q21.2.
Variant type: single nucleotide variant.
Coding change: c.5965T>C on transcript NM_020987.5 (MANE Select); coding-DNA position 5965, T replaced by C.
Protein change: p.Trp1989Arg; replaces tryptophan 1989 with arginine.
Molecular consequence: missense variant. On other transcripts: intron variant (4).
Genome position (GRCh38, 1-based): chr10:60,074,916, A>G on the plus strand (T>C on the coding strand, the complement: ANK3 is on the minus strand). VCF-style: chr10-60074916-A-G. GRCh37 (hg19) VCF-style: chr10-61834674-A-G.
Other names: c.4387+5621T>C (NM_001204403.2); c.4408+5621T>C (NM_001204404.2); c.4405+5621T>C (NM_001320874.2); c.1807+5621T>C (NM_001149.4); short protein forms W1989R.
Identifiers: ClinVar variation 975640 (VCV000975640.2), dbSNP rs372922084, ClinGen allele CA5511942.

ClinVar aggregate classification (germline): Uncertain significance. Review status: criteria provided, single submitter (1 of 4 stars). 2 submissions from 2 submitters: Uncertain significance (1). 1 of the submissions does not count toward it. Last evaluated 2025-11-07.

Conditions:
Intellectual disability. Also called: intellectual disabilities; Intellectual developmental disorder; Intellectual functioning disability. Identifiers: MedGen C3714756, MeSH D008607, MONDO:0001071, HP:0001249.

Allele frequency attached by ClinVar (database versions not stated): TOPMed 0.00001; gnomAD 0.00001; gnomAD exomes 0.00002; ExAC 0.00003; ESP Exome Variant Server 0.00008.
gnomAD v4.1: 15 of 1,613,920 alleles (0.00093%); highest among the groups gnomAD compares: Non-Finnish European, 0.0013%; no homozygotes.

Submissions (2):

Labcorp Genetics (formerly Invitae), Labcorp
Classification: Uncertain significance. Last evaluated: 2025-11-07. Review status: criteria provided, single submitter. Criteria: Invitae Variant Classification Sherloc (09022015). Collection method: clinical testing. Allele origin: germline.
Comment: This sequence change replaces tryptophan, which is neutral and slightly polar, with arginine, which is basic and polar, at codon 1989 of the ANK3 protein (p.Trp1989Arg). This variant is present in population databases (rs372922084, gnomAD 0.005%). This variant has not been reported in the literature in individuals affected with ANK3-related conditions. ClinVar contains an entry for this variant (Variation ID: 975640). Invitae Evidence Modeling of protein sequence and biophysical properties (such as structural, functional, and spatial information, amino acid conservation, physicochemical variation, residue mobility, and thermodynamic stability) has been performed for this missense variant. However, the output from this modeling did not meet the statistical confidence thresholds required to predict the impact of this variant on ANK3 protein function. In summary, the available evidence is currently insufficient to determine the role of this variant in disease. Therefore, it has been classified as a Variant of Uncertain Significance.

Centre de Biologie Pathologie Génétique, Centre Hospitalier Universitaire de Lille
Classification: Likely benign for Intellectual disability. Last evaluated: 2019-01-01. Review status: no assertion criteria provided. Collection method: clinical testing. Allele origin: inherited. Affected: yes. Not counted in ClinVar's aggregate classification.